The following is an entry in ClinVar:

ClinVar aggregate classification (germline): Uncertain significance. Review status: criteria provided, multiple submitters, no conflicts (2 of 4 stars). 2 submissions from 2 submitters: Uncertain significance (2). Last evaluated 2025-05-22.

Conditions:
Mosaic variegated aneuploidy syndrome 2 (MVA2). Identifiers: Orphanet 1052, MedGen C3279843, MONDO:0013582, OMIM 614114.
Inborn genetic diseases. Identifiers: MedGen C0950123, MeSH D030342.

Allele frequency attached by ClinVar (database versions not stated): gnomAD 0.00002; TOPMed 0.00003.
gnomAD v4.1: 11 of 1,613,920 alleles (0.00068%); highest among the groups gnomAD compares: Admixed American, 0.0017%; no homozygotes.

Submissions (2):

Labcorp Genetics (formerly Invitae), Labcorp
Classification: Uncertain significance for Mosaic variegated aneuploidy syndrome 2. Last evaluated: 2025-05-22. Review status: criteria provided, single submitter. Criteria: Invitae Variant Classification Sherloc (09022015). Collection method: clinical testing. Allele origin: germline.
Comment: This sequence change replaces serine, which is neutral and polar, with leucine, which is neutral and non-polar, at codon 15 of the CEP57 protein (p.Ser15Leu). This variant is not present in population databases (gnomAD no frequency). This variant has not been reported in the literature in individuals affected with CEP57-related conditions. ClinVar contains an entry for this variant (Variation ID: 2040895). Experimental studies and prediction algorithms are not available or were not evaluated, and the functional significance of this variant is currently unknown. In summary, the available evidence is currently insufficient to determine the role of this variant in disease. Therefore, it has been classified as a Variant of Uncertain Significance.

Ambry Genetics
Classification: Uncertain significance for Inborn genetic diseases. Last evaluated: 2024-11-20. Review status: criteria provided, single submitter. Criteria: Ambry Variant Classification Scheme 2023. Collection method: clinical testing. Allele origin: germline.
Comment: The p.S15L variant (also known as c.44C>T), located in coding exon 1 of the CEP57 gene, results from a C to T substitution at nucleotide position 44. The serine at codon 15 is replaced by leucine, an amino acid with dissimilar properties. This amino acid position is conserved. In addition, this alteration is predicted to be tolerated by in silico analysis. Based on the available evidence, the clinical significance of this variant remains unclear.

NM_014679.5(CEP57):c.44C>T (p.Ser15Leu)

Genes: CEP57 (centrosomal protein 57; plus strand), LOC130006618 (ATAC-STARR-seq lymphoblastoid active region 5417; plus strand). Cytogenetic location: 11q21.
Variant type: single nucleotide variant.
Coding change: c.44C>T on transcript NM_014679.5 (MANE Select); coding-DNA position 44, C replaced by T.
Protein change: p.Ser15Leu; replaces serine 15 with leucine.
Molecular consequence: missense variant. On other transcripts: 5 prime UTR variant (2).
Genome position (GRCh38, 1-based): chr11:95,790,742, C>T. VCF-style: chr11-95790742-C-T. GRCh37 (hg19) VCF-style: chr11-95523906-C-T.
Other names: c.44C>T (NM_014679.4); c.-28C>T (NM_001243776.2); c.44C>T, p.Ser15Leu (NM_001243777.2); c.-351C>T (NM_001363604.2); short protein forms S15L.
Identifiers: ClinVar variation 2040895 (VCV002040895.5), dbSNP rs1377080839, ClinGen allele CA382413312.